The following is an entry in ClinVar:

ClinVar aggregate classification (germline): Pathogenic (1 of 4 stars; one submission).

Conditions:
Spongy degeneration of central nervous system. Also called: ACY2 DEFICIENCY; AMINOACYLASE 2 DEFICIENCY; ASP DEFICIENCY; ASPA DEFICIENCY; ASPARTOACYLASE DEFICIENCY; CANAVAN-VAN BOGAERT-BERTRAND DISEASE. Identifiers: Orphanet 141, MedGen C0206307, MONDO:0010079, OMIM 271900.

Submission:

Myriad Genetics, Inc.
Classification: Pathogenic for Spongy degeneration of central nervous system. Last evaluated: 2023-09-05. Review status: criteria provided, single submitter. Criteria: Myriad Autosomal Dominant, Autosomal Recessive and X-Linked Classification Criteria (2023). Collection method: clinical testing. Allele origin: unknown.
Comment: NM_000049.2(ASPA):c.430A>T(K144*) is expected to be pathogenic in the context of Canavan disease. This variant is predicted to lead to an abnormal or absent protein product due to the creation of a premature termination codon in ASPA, a gene where loss-of-function variants are known to be pathogenic. Please note: this variant was assessed in the context of healthy population screening.

NM_000049.4(ASPA):c.430A>T (p.Lys144Ter)

Genes: ASPA (aspartoacylase; plus strand), SPATA22 (spermatogenesis associated 22; minus strand). Cytogenetic location: 17p13.2.
Variant type: single nucleotide variant.
Coding change: c.430A>T on transcript NM_000049.4 (MANE Select); coding-DNA position 430, A replaced by T.
Protein change: p.Lys144Ter; replaces lysine 144 with a stop codon.
Molecular consequence: nonsense. On other transcripts: intron variant (2).
Genome position (GRCh38, 1-based): chr17:3,481,796, A>T. VCF-style: chr17-3481796-A-T. GRCh37 (hg19) VCF-style: chr17-3385090-A-T.
Other names: c.430A>T, p.Lys144Ter (NM_001128085.1); c.-73-12398T>A (NM_001321336.2, NM_001321337.2); short protein forms K144*.
Identifiers: ClinVar variation 5011577 (VCV005011577.1).